The following is an entry in ClinVar:

ClinVar aggregate classification (germline): Uncertain significance. Review status: criteria provided, multiple submitters, no conflicts (2 of 4 stars). 2 submissions from 2 submitters: Uncertain significance (2). Last evaluated 2025-07-03.

Conditions:
Hereditary spastic paraplegia 11. Also called: SPASTIC PARAPLEGIA, AUTOSOMAL RECESSIVE, COMPLICATED, WITH THIN CORPUS CALLOSUM; SPASTIC PARAPLEGIA, AUTOSOMAL RECESSIVE, WITH MENTAL IMPAIRMENT AND THIN CORPUS CALLOSUM; Spastic paraplegia, mental retardation and thin corpus callosum; Spastic Paraplegia 11; Nakamura Osame syndrome; Autosomal recessive hereditary spastic paraplegia, mental impairment, and thin corpus callosum. Identifiers: Orphanet 2822, MedGen C1858479, MONDO:0011445, OMIM 604360.

gnomAD v4.1: 4 of 1,613,894 alleles (0.00025%); highest among the groups gnomAD compares: African/African-American, 0.0053%; no homozygotes.

Submissions (2):

Mayo Clinic Laboratories, Mayo Clinic
Classification: Uncertain significance. Last evaluated: 2025-07-03. Review status: criteria provided, single submitter. Criteria: ACMG Guidelines, 2015. Collection method: clinical testing. Allele origin: germline. Observed: 1 variant allele.
Comment: PM2_supporting

Labcorp Genetics (formerly Invitae), Labcorp
Classification: Uncertain significance for Hereditary spastic paraplegia 11. Last evaluated: 2022-03-03. Review status: criteria provided, single submitter. Criteria: Invitae Variant Classification Sherloc (09022015). Collection method: clinical testing. Allele origin: germline.
Comment: In summary, the available evidence is currently insufficient to determine the role of this variant in disease. Therefore, it has been classified as a Variant of Uncertain Significance. Algorithms developed to predict the effect of missense changes on protein structure and function are either unavailable or do not agree on the potential impact of this missense change (SIFT: "Tolerated"; PolyPhen-2: "Probably Damaging"; Align-GVGD: "Class C0"). This variant has not been reported in the literature in individuals affected with SPG11-related conditions. This variant is present in population databases (rs369245384, gnomAD 0.008%). This sequence change replaces glutamic acid, which is acidic and polar, with glutamine, which is neutral and polar, at codon 2236 of the SPG11 protein (p.Glu2236Gln).

NM_025137.4(SPG11):c.6706G>C (p.Glu2236Gln)

Gene: SPG11 (SPG11 vesicle trafficking associated, spatacsin; minus strand). Cytogenetic location: 15q21.1.
Variant type: single nucleotide variant.
Coding change: c.6706G>C on transcript NM_025137.4 (MANE Select); coding-DNA position 6706, G replaced by C.
Protein change: p.Glu2236Gln; replaces glutamic acid 2236 with glutamine.
Molecular consequence: missense variant.
Genome position (GRCh38, 1-based): chr15:44,567,472, C>G on the plus strand (G>C on the coding strand, the complement: SPG11 is on the minus strand). VCF-style: chr15-44567472-C-G. GRCh37 (hg19) VCF-style: chr15-44859670-C-G.
Other names: p.Glu2236Gln; c.6367G>C, p.Glu2123Gln (NM_001160227.2); c.6562G>C, p.Glu2188Gln (NM_001411132.1); short protein forms E2188Q, E2123Q, E2236Q.
Identifiers: ClinVar variation 1906579 (VCV001906579.4), dbSNP rs369245384, ClinGen allele CA7534038.